The following is an entry in ClinVar:

ClinVar aggregate classification (germline): Likely pathogenic (1 of 4 stars; one submission).

Submission:

GeneDx
Classification: Likely pathogenic. Last evaluated: 2024-02-14. Review status: criteria provided, single submitter. Criteria: GeneDx Variant Classification Process June 2021. Collection method: clinical testing. Allele origin: germline. Affected: yes.
Comment: Nonsense variant predicted to result in protein truncation, as the last 40 amino acids are lost, and other loss-of-function variants have been reported downstream in HGMD; Not observed at significant frequency in large population cohorts (gnomAD); Has not been previously published as pathogenic or benign to our knowledge; This variant is associated with the following publications: (PMID: 22781092)

NM_001005373.4(LRSAM1):c.2050C>T (p.Gln684Ter)

Gene: LRSAM1 (leucine rich repeat and sterile alpha motif containing 1; plus strand). Cytogenetic location: 9q34.11.
Variant type: single nucleotide variant.
Coding change: c.2050C>T on transcript NM_001005373.4 (MANE Select); coding-DNA position 2050, C replaced by T.
Protein change: p.Gln684Ter; replaces glutamine 684 with a stop codon.
Molecular consequence: nonsense. On other transcripts: non-coding transcript variant (2).
Genome position (GRCh38, 1-based): chr9:127,502,777, C>T. VCF-style: chr9-127502777-C-T. GRCh37 (hg19) VCF-style: chr9-130265056-C-T.
Other names: c.2050C>T, p.Gln684Ter (NM_001005374.4, NM_001384142.1, NM_138361.5); c.1969C>T, p.Gln657Ter (NM_001190723.3); c.1951C>T, p.Gln651Ter (NM_001384143.1); c.1261C>T, p.Gln421Ter (NM_001384144.1); short protein forms Q684*, Q657*, Q421*, Q651*.
Identifiers: ClinVar variation 246033 (VCV000246033.3), dbSNP rs879254056, ClinGen allele CA10584300.
Genomic context (GRCh38, chr9:127,502,777, plus strand): 5'-CCTGGGACTCCTGGAACCCGGTAGGGCCAGCCACATGCTCCCGCTCTCCCTCCCCAGGCC[C>T]AGATGATCTTCCTCAACTGTGGCCACGTCTGCTGCTGCCAGCAGTGCTGCCAGCCACTGC-3'